The following is an entry in ClinVar:

ClinVar aggregate classification (germline): Uncertain significance. Review status: criteria provided, single submitter (1 of 4 stars). 2 submissions from 2 submitters: Uncertain significance (1). 1 of the submissions does not count toward it. Last evaluated 2025-08-18.

Conditions:
Developmental and epileptic encephalopathy 93. Also called: EPILEPTIC ENCEPHALOPATHY, INFANTILE OR EARLY CHILDHOOD, 3. Identifiers: MedGen C4693934, MONDO:0020632, OMIM 618012.

Allele frequency attached by ClinVar (database versions not stated): gnomAD exomes below 0.00001; ExAC 0.00001.
gnomAD v4.1: 16 of 1,614,132 alleles (0.00099%); highest among the groups gnomAD compares: South Asian, 0.0022%; no homozygotes.

Submissions (2):

Labcorp Genetics (formerly Invitae), Labcorp
Classification: Uncertain significance. Last evaluated: 2025-08-18. Review status: criteria provided, single submitter. Criteria: Invitae Variant Classification Sherloc (09022015). Collection method: clinical testing. Allele origin: germline.
Comment: This sequence change replaces valine, which is neutral and non-polar, with methionine, which is neutral and non-polar, at codon 124 of the ATP6V1A protein (p.Val124Met). This variant is present in population databases (rs749209409, gnomAD 0.006%). This variant has not been reported in the literature in individuals affected with ATP6V1A-related conditions. ClinVar contains an entry for this variant (Variation ID: 995951). Invitae Evidence Modeling of protein sequence and biophysical properties (such as structural, functional, and spatial information, amino acid conservation, physicochemical variation, residue mobility, and thermodynamic stability) indicates that this missense variant is not expected to disrupt ATP6V1A protein function with a negative predictive value of 80%. In summary, the available evidence is currently insufficient to determine the role of this variant in disease. Therefore, it has been classified as a Variant of Uncertain Significance.

Institute of Human Genetics, University of Goettingen
Classification: Likely benign for Developmental and epileptic encephalopathy 93. Last evaluated: 2021-09-22. Review status: no assertion criteria provided. Collection method: clinical testing. Allele origin: unknown. Inheritance: Sporadic. Affected: yes. Not counted in ClinVar's aggregate classification.

NM_001690.4(ATP6V1A):c.370G>A (p.Val124Met)

Gene: ATP6V1A (ATPase H+ transporting V1 subunit A; plus strand). Cytogenetic location: 3q13.31.
Variant type: single nucleotide variant.
Coding change: c.370G>A on transcript NM_001690.4 (MANE Select); coding-DNA position 370, G replaced by A.
Protein change: p.Val124Met; replaces valine 124 with methionine.
Molecular consequence: missense variant.
Genome position (GRCh38, 1-based): chr3:113,784,382, G>A. VCF-style: chr3-113784382-G-A. GRCh37 (hg19) VCF-style: chr3-113503229-G-A.
Other names: short protein forms V124M.
Identifiers: ClinVar variation 995951 (VCV000995951.6), dbSNP rs749209409, ClinGen allele CA2547814.